The following is an entry in ClinVar:

NM_001267550.2(TTN):c.4057_4058del (p.Val1353fs)

Genes: TTN (titin; minus strand), LOC101927055 (uncharacterized LOC101927055; plus strand). Cytogenetic location: 2q31.2.
Variant type: Deletion.
Coding change: c.4057_4058del on transcript NM_001267550.2 (MANE Select); coding-DNA positions 4057 to 4058, 2 bases deleted (GT; older notation c.4057_4058delGT).
Protein change: p.Val1353fs; shifts the reading frame from valine 1353.
Molecular consequence: frameshift variant.
Genome position (GRCh38, 1-based): chr2:178,779,024-178,779,025, AC deleted on the plus strand (GT on the coding strand, the reverse complement: TTN is on the minus strand); deleting any 2 consecutive bases within chr2:178,779,024-178,779,026 gives the same sequence; the c. name uses the placement nearest the transcript's 3' end. VCF-style (leftmost placement, unchanged base first): chr2-178779023-AAC-A. GRCh37 (hg19) VCF-style: chr2-179643750-AAC-A.
Other names: c.4057_4058del, p.Val1353fs (NM_001256850.1, NM_133378.4, NM_133379.5); c.3919_3920del, p.Val1307fs (NM_003319.4, NM_133432.3, NM_133437.4); short protein forms V1307fs, V1353fs.
Identifiers: ClinVar variation 2954510 (VCV002954510.3), dbSNP rs2533073430, ClinGen allele CA2740096305.

ClinVar aggregate classification (germline): Likely pathogenic (1 of 4 stars; one submission).

Conditions:
Autosomal recessive limb-girdle muscular dystrophy type 2J (LGMDR10). Also called: Limb-girdle muscular dystrophy, type 2J; MUSCULAR DYSTROPHY, LIMB-GIRDLE, AUTOSOMAL RECESSIVE 10. Identifiers: Orphanet 140922, MedGen C1837342, MONDO:0012127, OMIM 608807.
Dilated cardiomyopathy 1G (CMD1G). Identifiers: Orphanet 154, MedGen C1858763, MONDO:0011400, OMIM 604145.

Submission:

Labcorp Genetics (formerly Invitae), Labcorp
Classification: Likely pathogenic for Dilated cardiomyopathy 1G; Autosomal recessive limb-girdle muscular dystrophy type 2J. Last evaluated: 2023-12-09. Review status: criteria provided, single submitter. Criteria: Invitae Variant Classification Sherloc (09022015). Collection method: clinical testing. Allele origin: germline.
Comment: This sequence change creates a premature translational stop signal (p.Val1353Cysfs*6) in the TTN gene. While this is not anticipated to result in nonsense mediated decay, it is expected to create a truncated TTN protein. This variant is not present in population databases (gnomAD no frequency). This variant has not been reported in the literature in individuals affected with TTN-related conditions. This variant is located in the Z band of TTN (PMID: 25589632). Truncating variants in this region have been reported in individuals affected with autosomal recessive centronuclear myopathy (PMID: 33449170). Truncating variants in this region have also been identified in individuals affected with autosomal dominant dilated cardiomyopathy and/or cardio-related conditions (PMID: 27869827, 32964742). In summary, the currently available evidence indicates that the variant is pathogenic, but additional data are needed to prove that conclusively. Therefore, this variant has been classified as Likely Pathogenic.

Literature cited by the submitters: PubMed 25589632; PubMed 33449170; PubMed 27869827; PubMed 32964742.